The following is an entry in ClinVar:

ClinVar aggregate classification (germline): Uncertain significance (1 of 4 stars; one submission).

Allele frequency attached by ClinVar (database versions not stated): gnomAD 0.00001; gnomAD exomes 0.00001; TOPMed 0.00001.
gnomAD v4.1: 6 of 1,613,304 alleles (0.00037%); highest among the groups gnomAD compares: African/African-American, 0.0013%; no homozygotes.

Submission:

Labcorp Genetics (formerly Invitae), Labcorp
Classification: Uncertain significance. Last evaluated: 2022-02-04. Review status: criteria provided, single submitter. Criteria: Invitae Variant Classification Sherloc (09022015). Collection method: clinical testing. Allele origin: germline.
Comment: In summary, the available evidence is currently insufficient to determine the role of this variant in disease. Therefore, it has been classified as a Variant of Uncertain Significance. Algorithms developed to predict the effect of sequence changes on RNA splicing suggest that this variant may create or strengthen a splice site. Algorithms developed to predict the effect of missense changes on protein structure and function are either unavailable or do not agree on the potential impact of this missense change (SIFT: "Tolerated"; PolyPhen-2: "Probably Damaging"; Align-GVGD: "Class C0"). This variant has not been reported in the literature in individuals affected with ROM1-related conditions. This variant is not present in population databases (gnomAD no frequency). This sequence change replaces glycine, which is neutral and non-polar, with arginine, which is basic and polar, at codon 120 of the ROM1 protein (p.Gly120Arg).

NM_000327.4(ROM1):c.358G>A (p.Gly120Arg)

Gene: ROM1 (retinal outer segment membrane protein 1; plus strand). Cytogenetic location: 11q12.3.
Variant type: single nucleotide variant.
Coding change: c.358G>A on transcript NM_000327.4 (MANE Select); coding-DNA position 358, G replaced by A.
Protein change: p.Gly120Arg; replaces glycine 120 with arginine.
Molecular consequence: missense variant.
Genome position (GRCh38, 1-based): chr11:62,613,639, G>A. VCF-style: chr11-62613639-G-A. GRCh37 (hg19) VCF-style: chr11-62381111-G-A.
Other names: short protein forms G120R.
Identifiers: ClinVar variation 1498003 (VCV001498003.8), dbSNP rs1181858709, ClinGen allele CA380969454.